The following is an entry in ClinVar:

ClinVar aggregate classification (germline): Uncertain significance. Review status: criteria provided, multiple submitters, no conflicts (2 of 4 stars). 8 submissions from 4 submitters: Uncertain significance (8). Last evaluated 2025-05-16.

Conditions:
TTN-related disorder. Also called: TTN-related condition; TTN-related disease; TTN-related disorders.
Early-onset myopathy with fatal cardiomyopathy (CMYO5). Also called: Salih Myopathy; CONGENITAL MYOPATHY 5 WITH CARDIOMYOPATHY. Identifiers: Orphanet 289377, MedGen C2673677, MONDO:0012714, OMIM 611705. Disease mechanism: loss of function.
Myopathy, myofibrillar, 9, with early respiratory failure (MFM9). Also called: Myopathy, distal, with early respiratory failure, autosomal dominant; MYOPATHY, PROXIMAL, WITH EARLY RESPIRATORY MUSCLE INVOLVEMENT; Hereditary myopathy with early respiratory failure; EDSTROM MYOPATHY. Identifiers: Orphanet 178464, Orphanet 34521, MedGen C1863599, MONDO:0011362, OMIM 603689.
Autosomal recessive limb-girdle muscular dystrophy type 2J (LGMDR10). Also called: Limb-girdle muscular dystrophy, type 2J; MUSCULAR DYSTROPHY, LIMB-GIRDLE, AUTOSOMAL RECESSIVE 10. Identifiers: Orphanet 140922, MedGen C1837342, MONDO:0012127, OMIM 608807.
Dilated cardiomyopathy 1G (CMD1G). Identifiers: Orphanet 154, MedGen C1858763, MONDO:0011400, OMIM 604145.
Tibial muscular dystrophy (TMD). Also called: Tibial muscular dystrophy, tardive; Udd Distal Myopathy – Tibial Muscular Dystrophy; UDD MYOPATHY. Identifiers: Orphanet 609, MedGen C1838244, MONDO:0010870, OMIM 600334.

Allele frequency attached by ClinVar (database versions not stated): TOPMed 0.00006.
gnomAD v4.1: 22 of 1,613,738 alleles (0.0014%); highest among the groups gnomAD compares: African/African-American, 0.008%; no homozygotes.

Submissions (8):

PreventionGenetics, part of Exact Sciences
Classification: Uncertain significance for TTN-related condition. Last evaluated: 2025-05-16. Review status: criteria provided, single submitter. Criteria: ACMG Guidelines, 2015. Collection method: clinical testing. Allele origin: germline.
Comment: The TTN c.95342G>A variant is predicted to result in the amino acid substitution p.Arg31781Gln. To our knowledge, this variant has not been reported in the literature. This variant is reported in 0.0065% of alleles in individuals of African descent in gnomAD. At this time, the clinical significance of this variant is uncertain due to the absence of conclusive functional and genetic evidence.

Genomic Medicine Center of Excellence, King Faisal Specialist Hospital and Research Centre
Classification: Uncertain significance for Dilated cardiomyopathy 1G. Last evaluated: 2024-03-25. Review status: criteria provided, single submitter. Criteria: ACMG Guidelines, 2015. Collection method: research. Allele origin: germline.

Illumina Laboratory Services, Illumina
Classification: Uncertain significance for Early-onset myopathy with fatal cardiomyopathy. Last evaluated: 2018-01-13. Review status: criteria provided, single submitter. Criteria: ICSL Variant Classification Criteria 13 December 2019. Collection method: clinical testing. Allele origin: germline.

Illumina Laboratory Services, Illumina
Classification: Uncertain significance for Tibial muscular dystrophy. Last evaluated: 2018-01-13. Review status: criteria provided, single submitter. Criteria: ICSL Variant Classification Criteria 13 December 2019. Collection method: clinical testing. Allele origin: germline.

Illumina Laboratory Services, Illumina
Classification: Uncertain significance for Dilated cardiomyopathy 1G. Last evaluated: 2018-01-13. Review status: criteria provided, single submitter. Criteria: ICSL Variant Classification Criteria 13 December 2019. Collection method: clinical testing. Allele origin: germline.

Illumina Laboratory Services, Illumina
Classification: Uncertain significance for Myopathy, myofibrillar, 9, with early respiratory failure. Last evaluated: 2018-01-13. Review status: criteria provided, single submitter. Criteria: ICSL Variant Classification Criteria 13 December 2019. Collection method: clinical testing. Allele origin: germline.

Illumina Laboratory Services, Illumina
Classification: Uncertain significance for Autosomal recessive limb-girdle muscular dystrophy type 2J. Last evaluated: 2018-01-13. Review status: criteria provided, single submitter. Criteria: ICSL Variant Classification Criteria 13 December 2019. Collection method: clinical testing. Allele origin: germline.

GeneDx
Classification: Uncertain significance. Last evaluated: 2014-07-25. Review status: criteria provided, single submitter. Criteria: GeneDx Variant Classification (06012015). Collection method: clinical testing. Allele origin: germline. Affected: yes.
Comment: Missense variants in the TTN gene are considered 'unclassified' if they are not previously reported in the literature and do not have >1% frequency in the population to be considered a polymorphism. Research indicates that truncating mutations in the TTN gene are expected to account for approximately 25% of familial and 18% of sporadic idiopathic DCM; however, truncating variants in the TTN gene have been reported in approximately 3% of reported control alleles. There has been little investigation into non-truncating variants. (Herman D et al. Truncations of titin causing dilated cardiomyopathy. N Eng J Med 366:619-628, 2012) The variant is found in DCM-CRDM panel(s).

NM_001267550.2(TTN):c.95342G>A (p.Arg31781Gln)

Genes: TTN-AS1 (TTN antisense RNA 1; plus strand), TTN (titin; minus strand). Cytogenetic location: 2q31.2.
Variant type: single nucleotide variant.
Coding change: c.95342G>A on transcript NM_001267550.2 (MANE Select); coding-DNA position 95342, G replaced by A.
Protein change: p.Arg31781Gln; replaces arginine 31781 with glutamine.
Molecular consequence: missense variant.
Genome position (GRCh38, 1-based): chr2:178,545,894, C>T on the plus strand (G>A on the coding strand, the complement: TTN is on the minus strand). VCF-style: chr2-178545894-C-T. GRCh37 (hg19) VCF-style: chr2-179410621-C-T.
Other names: p.R30140Q:CGA>CAA; c.90419G>A, p.Arg30140Gln (NM_001256850.1); c.68147G>A, p.Arg22716Gln (NM_003319.4); c.87638G>A, p.Arg29213Gln (NM_133378.4); c.68522G>A, p.Arg22841Gln (NM_133432.3); c.68723G>A, p.Arg22908Gln (NM_133437.4); short protein forms R30140Q, R31781Q, R29213Q, R22716Q, R22841Q, R22908Q.
Identifiers: ClinVar variation 203011 (VCV000203011.9), dbSNP rs748984928, ClinGen allele CA310971.